The following is an entry in ClinVar:

ClinVar aggregate classification (germline): Uncertain significance (0 of 4 stars; one submission).

Conditions:
Prostate cancer. Also called: Malignant tumor of prostate. Identifiers: Orphanet 1331, MedGen C0376358, MONDO:0008315, HP:0012125.

Allele frequency attached by ClinVar (database versions not stated): gnomAD exomes below 0.00001 and 0.00001; TOPMed below 0.00001; gnomAD 0.00001; ESP Exome Variant Server 0.00008; ExAC 0.00001.
gnomAD v4.1: 12 of 1,614,002 alleles (0.00074%); highest among the groups gnomAD compares: African/African-American, 0.004%; no homozygotes.

Submission:

Science for Life laboratory,  Karolinska Institutet
Classification: Uncertain significance for Malignant tumor of prostate. Review status: no assertion criteria provided. Collection method: not provided. Allele origin: somatic.
Comment: TumorID:SWE-15
ClinVar note: Converted during submission from Unknown to Uncertain significance.

NM_001007525.5(NWD1):c.3668A>G (p.Asn1223Ser)

Gene: NWD1 (NACHT and WD repeat domain containing 1; plus strand). Cytogenetic location: 19p13.11.
Variant type: single nucleotide variant.
Coding change: c.3668A>G on transcript NM_001007525.5 (MANE Select); coding-DNA position 3668, A replaced by G.
Protein change: p.Asn1223Ser; replaces asparagine 1223 with serine.
Molecular consequence: missense variant.
Genome position (GRCh38, 1-based): chr19:16,800,094, A>G. VCF-style: chr19-16800094-A-G. GRCh37 (hg19) VCF-style: chr19-16910905-A-G.
Other names: c.3263A>G, p.Asn1088Ser (NM_001290355.3); c.3050A>G, p.Asn1017Ser (NM_001347994.1); short protein forms N1223S, N1017S, N1088S.
Identifiers: ClinVar variation 161488 (VCV000161488.2), dbSNP rs193920843, ClinGen allele CA174124.